The following is an entry in ClinVar:

ClinVar aggregate classification (germline): Uncertain significance (1 of 4 stars; one submission).

Conditions:
Intellectual developmental disorder, autosomal dominant 54. Also called: MENTAL RETARDATION, AUTOSOMAL DOMINANT 54; Intellectual disability, autosomal dominant 54. Identifiers: MedGen C4540484, MONDO:0030920, OMIM 617799.

gnomAD v4.1: 5 of 1,613,168 alleles (0.00031%); highest among the groups gnomAD compares: East Asian, 0.0022%; no homozygotes.

Submission:

Institute of Human Genetics, University of Goettingen
Classification: Uncertain significance for Intellectual developmental disorder, autosomal dominant 54. Last evaluated: 2025-06-27. Review status: criteria provided, single submitter. Criteria: ACMG Guidelines, 2015. Collection method: clinical testing. Allele origin: germline. Inheritance: Autosomal dominant inheritance. Affected: yes.
Comment: The substitution is located in 'NM_001220.5' exon 23. The variation shows a highly conserved nucleotide (phyloP: 9.24 [-19.0, 10.9]). Thr 600 changed by Met. This variant is in protein domain: Calcium/calmodulin-dependent protein kinase II, association-domain. The variation generates a 'Missense' as coding effect. Codon ACG changed to ATG. This variant is known to: dbSNP (157): rs1331928428 (not validated dbSNP entry) and gnomAD/Exomes (v2.1.1)

Literature cited by the submitters: PubMed 29560374.

NM_001220.5(CAMK2B):c.1799C>T (p.Thr600Met)

Gene: CAMK2B (calcium/calmodulin dependent protein kinase II beta; minus strand). Cytogenetic location: 7p13.
Variant type: single nucleotide variant.
Coding change: c.1799C>T on transcript NM_001220.5 (MANE Select); coding-DNA position 1799, C replaced by T.
Protein change: p.Thr600Met; replaces threonine 600 with methionine.
Molecular consequence: missense variant.
Genome position (GRCh38, 1-based): chr7:44,220,264, G>A on the plus strand (C>T on the coding strand, the complement: CAMK2B is on the minus strand). VCF-style: chr7-44220264-G-A. GRCh37 (hg19) VCF-style: chr7-44259863-G-A.
Other names: c.1427C>T, p.Thr476Met (NM_001293170.2, NM_172078.3); c.1355C>T, p.Thr452Met (NM_172079.3); c.1352C>T, p.Thr451Met (NM_172080.3); c.1310C>T, p.Thr437Met (NM_172081.3); c.1277C>T, p.Thr426Met (NM_172082.3); c.1238C>T, p.Thr413Met (NM_172083.3); c.1148C>T, p.Thr383Met (NM_172084.3); short protein forms T383M, T413M, T426M, T437M, T451M, T452M, T476M, T600M.
Identifiers: ClinVar variation 4813686 (VCV004813686.1).
Genomic context (GRCh38, chr7:44,220,264, plus strand): 5'-ATGTAAGCGATGCAGGCGGCATCCTCTCCAATGACGTGCACGTGTGGGTTCAGGATGGTC[G>A]TGTGGATCGGCTTGCTGTTCTTGGCCAGCACTGTGGACAGCAGGCGGGGCGGGGGTCTCG-3'
Protein context (NP_001211.3, residues 590-610): LLAKNSKPIH[Thr600Met]TILNPHVHVI